The following is an entry in ClinVar:

NM_198391.3(FLRT3):c.831T>C (p.Asp277=)

Genes: FLRT3 (fibronectin leucine rich transmembrane protein 3; minus strand), MACROD2 (mono-ADP ribosylhydrolase 2; plus strand). Cytogenetic location: 20p12.1.
Variant type: single nucleotide variant.
Coding change: c.831T>C on transcript NM_198391.3 (MANE Select); coding-DNA position 831, T replaced by C.
Protein change: p.Asp277=; no amino-acid change (aspartic acid 277 retained).
Molecular consequence: synonymous variant. On other transcripts: intron variant (3).
Genome position (GRCh38, 1-based): chr20:14,326,676, A>G on the plus strand (T>C on the coding strand, the complement: FLRT3 is on the minus strand). VCF-style: chr20-14326676-A-G. GRCh37 (hg19) VCF-style: chr20-14307322-A-G.
Other names: c.831T>C, p.Asp277= (NM_013281.4); c.272-166803A>G (NM_001351661.2, NM_001351663.2, NM_080676.6).
Identifiers: ClinVar variation 789542 (VCV000789542.17), dbSNP rs149124349, ClinGen allele CA9768986.

ClinVar aggregate classification (germline): Benign/Likely benign. Review status: criteria provided, multiple submitters, no conflicts (2 of 4 stars). 2 submissions from 2 submitters: Benign (1); Likely benign (1). Last evaluated 2026-01-14.

Allele frequency attached by ClinVar (database versions not stated): 1000 Genomes Project 0.00200; TOPMed 0.00202; 1000 Genomes Project 30x 0.00265; gnomAD exomes 0.00335 and 0.00345; ExAC 0.00338; gnomAD 0.00363 and 0.00376; ESP Exome Variant Server 0.00392.
gnomAD v4.1: 5,390 of 1,613,796 alleles (0.33%); highest among the groups gnomAD compares: Non-Finnish European, 0.34%; 20 homozygotes.

Submissions (2):

Labcorp Genetics (formerly Invitae), Labcorp
Classification: Benign. Last evaluated: 2026-01-14. Review status: criteria provided, single submitter. Criteria: Invitae Variant Classification Sherloc (09022015). Collection method: clinical testing. Allele origin: germline.

CeGaT Center for Human Genetics Tuebingen
Classification: Likely benign. Last evaluated: 2025-12-01. Review status: criteria provided, single submitter. Criteria: CeGaT Center For Human Genetics Tuebingen Variant Classification Criteria Version 2. Collection method: clinical testing. Allele origin: germline. Affected: yes. Observed: 2 variant alleles.
Comment: FLRT3: BP4, BP7